The following is an entry in ClinVar:

GRCh38/hg38 19p13.3(chr19:4417986-4721866)x1

Genes: CHAF1A (chromatin assembly factor 1 subunit A; plus strand), DPP9 (dipeptidyl peptidase 9; minus strand), DPP9-AS1 (DPP9 antisense RNA 1; plus strand), HDGFL2 (HDGF like 2; plus strand), LRG1 (leucine rich alpha-2-glycoprotein 1; minus strand) and 30 more. Cytogenetic location: 19p13.3.
Variant type: copy number loss.
Change: copy number 1 (one copy instead of two) of chr19:4,417,986-4,721,866 (303.9 kb, GRCh38 coordinates, 1-based), cytogenetic band 19p13.3.
Identifiers: ClinVar variation 57480 (VCV000057480.1).

ClinVar aggregate classification (germline): Uncertain significance (1 of 4 stars; one submission).

Submission:

ISCA site 4
Classification: Uncertain significance. Last evaluated: 2011-08-12. Review status: criteria provided, single submitter. Criteria: Kaminsky et al. (Genet Med. 2011). Collection method: clinical testing. Allele origin: maternal. Affected: yes. Observed: 1 variant allele.
Comment: Copy number variation identified through the course of routine clinical cytogenomic testing in postnatal populations. Clinical assertions have been curated as described in Kaminsky et al. 2011.